The following is an entry in ClinVar:

NM_005359.6(SMAD4):c.591C>T (p.Thr197=)

Gene: SMAD4 (SMAD family member 4; plus strand). Cytogenetic location: 18q21.2.
Variant type: single nucleotide variant.
Coding change: c.591C>T on transcript NM_005359.6 (MANE Select); coding-DNA position 591, C replaced by T.
Protein change: p.Thr197=; no amino-acid change (threonine 197 retained).
Molecular consequence: synonymous variant.
Genome position (GRCh38, 1-based): chr18:51,054,917, C>T. VCF-style: chr18-51054917-C-T. GRCh37 (hg19) VCF-style: chr18-48581287-C-T.
Other names: c.591C>T (NM_005359.5).
Identifiers: ClinVar variation 1613478 (VCV001613478.11), dbSNP rs1464524083, ClinGen allele CA503873746.

ClinVar aggregate classification (germline): Benign/Likely benign. Review status: criteria provided, multiple submitters, no conflicts (2 of 4 stars). 4 submissions from 4 submitters: Benign (1); Likely benign (3). Last evaluated 2025-05-15.

Conditions:
Juvenile polyposis syndrome (JPS). Identifiers: Orphanet 2929, MedGen C0345893, MONDO:0017380, OMIM 174900.
Familial thoracic aortic aneurysm and aortic dissection (TAAD). Also called: Thoracic aortic aneurysms and dissections. Identifiers: Orphanet 91387, MedGen C4707243, MONDO:0019625.
Hereditary cancer-predisposing syndrome. Also called: Neoplastic Syndromes, Hereditary; Tumor predisposition; Hereditary Cancer Syndrome; Hereditary neoplastic syndrome. Identifiers: Orphanet 140162, MedGen C0027672, MeSH D009386, MONDO:0015356.
Juvenile polyposis/hereditary hemorrhagic telangiectasia syndrome (JPHT). Also called: Juvenile Polyposis Syndrome / Hereditary Hemorrhagic Telangiectasia (JPS/HHT); JP/HHT SYNDROME; JUVENILE POLYPOSIS WITH HEREDITARY HEMORRHAGIC TELANGIECTASIA; POLYPOSIS, GENERALIZED JUVENILE, WITH PULMONARY ARTERIOVENOUS MALFORMATION; TELANGIECTASIA, HEREDITARY HEMORRHAGIC, WITH JUVENILE POLYPOSIS COLI. Identifiers: Orphanet 2929, MedGen C1832942, MONDO:0008278, OMIM 175050.

Allele frequency attached by ClinVar (database versions not stated): gnomAD exomes below 0.00001.
gnomAD v4.1: 2 of 1,614,094 alleles (0.00012%); highest among the groups gnomAD compares: Middle Eastern, 0.016%; no homozygotes.

Submissions (4):

Ambry Genetics
Classification: Likely benign for Hereditary cancer-predisposing syndrome; Familial thoracic aortic aneurysm and aortic dissection. Last evaluated: 2025-05-15. Review status: criteria provided, single submitter. Criteria: Ambry Variant Classification Scheme 2023. Collection method: clinical testing. Allele origin: germline.

Myriad Genetics, Inc.
Classification: Benign for Juvenile polyposis/hereditary hemorrhagic telangiectasia syndrome. Last evaluated: 2025-03-19. Review status: criteria provided, single submitter. Criteria: Myriad Autosomal Dominant, Autosomal Recessive and X-Linked Classification Criteria (2023). Collection method: clinical testing. Allele origin: unknown.
Comment: This variant is considered benign. This variant is a silent/synonymous amino acid change and it is not expected to impact splicing.

Labcorp Genetics (formerly Invitae), Labcorp
Classification: Likely benign for Juvenile polyposis syndrome. Last evaluated: 2024-04-10. Review status: criteria provided, single submitter. Criteria: Invitae Variant Classification Sherloc (09022015). Collection method: clinical testing. Allele origin: germline.

All of Us Research Program, National Institutes of Health
Classification: Likely benign for Juvenile polyposis/hereditary hemorrhagic telangiectasia syndrome. Last evaluated: 2023-12-13. Review status: criteria provided, single submitter. Criteria: ACMG Guidelines, 2015. Collection method: clinical testing. Allele origin: germline. Inheritance: Autosomal dominant inheritance. Observed: 1 variant allele, 1 heterozygote.
Comment: This study involves interpretation of variants in research participants for the purpose of population health screening. Participant phenotype was not available at the time of variant classification. Additional details can be found in publication PMID: 35346344, PMCID: PMC8962531